The following is an entry in ClinVar:

ClinVar aggregate classification (germline): Uncertain significance (1 of 4 stars; one submission).

Conditions:
Hereditary sensory and autonomic neuropathy type 6. Also called: HSAN VI; Neuropathy, hereditary sensory and autonomic, type VI. Identifiers: Orphanet 314381, MedGen C3539003, MONDO:0013839, OMIM 614653.
Epidermolysis bullosa simplex 3, localized or generalized intermediate, with BP230 deficiency (EBS3). Also called: Epidermolysis bullosa simplex, autosomal recessive 2; Epidermolysis bullosa simplex due to BP230 deficiency. Identifiers: Orphanet 412181, MedGen C3809470, MONDO:0014180, OMIM 615425.

Allele frequency attached by ClinVar (database versions not stated): gnomAD exomes below 0.00001 and 0.00001.
gnomAD v4.1: 5 of 1,610,488 alleles (0.00031%); highest among the groups gnomAD compares: Middle Eastern, 0.05%; no homozygotes.

Submission:

Labcorp Genetics (formerly Invitae), Labcorp
Classification: Uncertain significance for Epidermolysis bullosa simplex 3, localized or generalized intermediate, with BP230 deficiency; Hereditary sensory and autonomic neuropathy type 6. Last evaluated: 2023-04-14. Review status: criteria provided, single submitter. Criteria: Invitae Variant Classification Sherloc (09022015). Collection method: clinical testing. Allele origin: germline.
Comment: This variant is present in population databases (no rsID available, gnomAD 0.0009%). This variant has not been reported in the literature in individuals affected with DST-related conditions. Experimental studies and prediction algorithms are not available or were not evaluated, and the functional significance of this variant is currently unknown. In summary, the available evidence is currently insufficient to determine the role of this variant in disease. Therefore, it has been classified as a Variant of Uncertain Significance. This sequence change affects codon 1720 of the DST mRNA. It is a 'silent' change, meaning that it does not change the encoded amino acid sequence of the DST protein. The DST gene has multiple clinically relevant transcripts. This variant occurs in alternate transcript NM_015548.4, and corresponds to NM_001723.5:c.*41631T>C in the primary transcript.

NM_001374736.1(DST):c.13029T>C (p.Asp4343=)

Gene: DST (dystonin; minus strand). Cytogenetic location: 6p12.1.
Variant type: single nucleotide variant.
Coding change: c.13029T>C on transcript NM_001374736.1 (MANE Select); coding-DNA position 13029, T replaced by C.
Protein change: p.Asp4343=; no amino-acid change (aspartic acid 4343 retained).
Molecular consequence: synonymous variant.
Genome position (GRCh38, 1-based): chr6:56,573,886, A>G on the plus strand (T>C on the coding strand, the complement: DST is on the minus strand). VCF-style: chr6-56573886-A-G. GRCh37 (hg19) VCF-style: chr6-56438684-A-G.
Other names: c.6672T>C, p.Asp2224= (NM_001144769.5); c.6258T>C, p.Asp2086= (NM_001144770.2); c.13029T>C, p.Asp4343= (NM_001374722.1); c.12396T>C, p.Asp4132= (NM_001374729.1); c.6138T>C, p.Asp2046= (NM_001374730.1, NM_001386100.1, NM_183380.4); c.13056T>C, p.Asp4352= (NM_001374734.1); c.5160T>C, p.Asp1720= (NM_015548.5).
Identifiers: ClinVar variation 1474269 (VCV001474269.6), dbSNP rs1402329358, ClinGen allele CA450489739.